The following is an entry in ClinVar:

NM_001164508.2(NEB):c.8402dup (p.Leu2802fs)

Gene: NEB (nebulin; minus strand). Cytogenetic location: 2q23.3.
Variant type: Duplication.
Coding change: c.8402dup on transcript NM_001164508.2 (MANE Select); coding-DNA position 8402, one base duplicated (A; older notation c.8402dupA).
Protein change: p.Leu2802fs; shifts the reading frame from leucine 2802.
Molecular consequence: frameshift variant.
Genome position (GRCh38, 1-based): chr2:151,640,638, T duplicated on the plus strand (A on the coding strand, the reverse complement: NEB is on the minus strand). VCF-style (leftmost placement, unchanged base first): chr2-151640637-C-CT. GRCh37 (hg19) VCF-style: chr2-152497151-C-CT.
Other names: c.8402dup, p.Leu2802fs (NM_001164507.2, NM_001271208.2, NM_004543.5); short protein forms L2802fs.
Identifiers: ClinVar variation 5012033 (VCV005012033.1).
Genomic context (GRCh38, chr2:151,640,637, plus strand): 5'-CATGGACCACATCATCTTGGGGTCATCACGTATAGCTCGGGCACCAATGTGGTGGCCGAG[C>CT]TGCTTACGATAGCCTTCTTTGTACTTGAACTAAAAGAAGAAAAAGACAGATAGTCATCTG-3'

ClinVar aggregate classification (germline): Pathogenic (1 of 4 stars; one submission).

Conditions:
Nemaline myopathy 2 (NEM2). Also called: Nemaline myopathy 2, autosomal recessive. Identifiers: MedGen C1850569, MONDO:0009725, OMIM 256030.

Submission:

Myriad Genetics, Inc.
Classification: Pathogenic for Nemaline myopathy 2. Last evaluated: 2023-09-27. Review status: criteria provided, single submitter. Criteria: Myriad Autosomal Dominant, Autosomal Recessive and X-Linked Classification Criteria (2023). Collection method: clinical testing. Allele origin: unknown.
Comment: NM_001271208.1(NEB):c.8402dupA(L2802Afs*12) is expected to be pathogenic in the context of NEB-related nemaline myopathy. This variant is predicted to lead to an abnormal or absent protein product due to the creation of a premature termination codon in NEB, a gene where loss-of-function variants are known to be pathogenic. Please note: this variant was assessed in the context of healthy population screening.